The following is an entry in ClinVar:

ClinVar aggregate classification (germline): Uncertain significance (1 of 4 stars; one submission).

Conditions:
PNPLA6-related disorder. Also called: PNPLA6-related disorders; PNPLA6-related condition.

Submission:

PreventionGenetics, part of Exact Sciences
Classification: Uncertain significance for PNPLA6-related condition. Last evaluated: 2026-06-08. Review status: criteria provided, single submitter. Criteria: ACMG Guidelines, 2015. Collection method: clinical testing. Allele origin: germline.
Comment: The PNPLA6 c.2893A>G variant is predicted to result in the amino acid substitution p.Ser965Gly. To our knowledge, this variant has not been reported in the literature or in a large population database (gnomAD), indicating this variant is rare. At this time, the clinical significance of this variant is uncertain due to the absence of conclusive functional and genetic evidence.

NM_001166114.2(PNPLA6):c.2863A>G (p.Ser955Gly)

Gene: PNPLA6 (patatin like domain 6, lysophospholipase; plus strand). Cytogenetic location: 19p13.2.
Variant type: single nucleotide variant.
Coding change: c.2863A>G on transcript NM_001166114.2 (MANE Select); coding-DNA position 2863, A replaced by G.
Protein change: p.Ser955Gly; replaces serine 955 with glycine.
Molecular consequence: missense variant.
Genome position (GRCh38, 1-based): chr19:7,555,294, A>G. VCF-style: chr19-7555294-A-G. GRCh37 (hg19) VCF-style: chr19-7620180-A-G.
Other names: c.2893A>G, p.Ser965Gly (NM_001166111.2); c.2668A>G, p.Ser890Gly (NM_001166112.2); c.2749A>G, p.Ser917Gly (NM_001166113.1, NM_006702.5); short protein forms S955G, S917G, S890G, S965G.
Identifiers: ClinVar variation 4982147 (VCV004982147.1).
Genomic context (GRCh38, chr19:7,555,294, plus strand): 5'-TCTCCCCCATCCCAGCATGAGCTCTACGAGAAGGTTTTCTCCAGGCGCGCGGACCGGCAC[A>G]GCGACTTCTCCCGCTTGGCGAGGGTGCTCACGGGGAACACCATTGCCCTTGTGCTAGGCG-3'
Protein context (NP_001159586.1, residues 945-965): KVFSRRADRH[Ser955Gly]DFSRLARVLT